The following is an entry in ClinVar:

ClinVar aggregate classification (germline): Uncertain significance (1 of 4 stars; one submission).

Conditions:
Hereditary breast ovarian cancer syndrome. Also called: BRCA1- and BRCA2-Associated Hereditary Breast and Ovarian Cancer; Hereditary breast and/or ovarian cancer syndrome; Hereditary breast and ovarian cancer; Hereditary breast and ovarian cancer syndrome (HBOC); Breast and ovarian cancer; Hereditary breast and ovarian cancer syndrome. Identifiers: Orphanet 145, MedGen C0677776, MeSH D061325, MONDO:0003582. Disease mechanism: loss of function.

Submission:

Labcorp Genetics (formerly Invitae), Labcorp
Classification: Uncertain significance for Hereditary breast ovarian cancer syndrome. Last evaluated: 2023-05-27. Review status: criteria provided, single submitter. Criteria: Invitae Variant Classification Sherloc (09022015). Collection method: clinical testing. Allele origin: germline.
Comment: In summary, the available evidence is currently insufficient to determine the role of this variant in disease. Therefore, it has been classified as a Variant of Uncertain Significance. Advanced modeling of protein sequence and biophysical properties (such as structural, functional, and spatial information, amino acid conservation, physicochemical variation, residue mobility, and thermodynamic stability) performed at Invitae indicates that this missense variant is not expected to disrupt BRCA1 protein function. This variant has not been reported in the literature in individuals affected with BRCA1-related conditions. This variant is not present in population databases (gnomAD no frequency). This sequence change replaces phenylalanine, which is neutral and non-polar, with leucine, which is neutral and non-polar, at codon 1571 of the BRCA1 protein (p.Phe1571Leu).

NM_007294.4(BRCA1):c.4711T>C (p.Phe1571Leu)

Gene: BRCA1 (BRCA1 DNA repair associated; minus strand). Cytogenetic location: 17q21.31.
Variant type: single nucleotide variant.
Coding change: c.4711T>C on transcript NM_007294.4 (MANE Select); coding-DNA position 4711, T replaced by C.
Protein change: p.Phe1571Leu; replaces phenylalanine 1571 with leucine.
Molecular consequence: missense variant. On other transcripts: intron variant (1).
Genome position (GRCh38, 1-based): chr17:43,071,203, A>G on the plus strand (T>C on the coding strand, the complement: BRCA1 is on the minus strand). VCF-style: chr17-43071203-A-G. GRCh37 (hg19) VCF-style: chr17-41223220-A-G.
Other names: c.1063T>C, p.Phe355Leu (NM_001408508.1); c.1060T>C, p.Phe354Leu (NM_001408509.1); c.1021T>C, p.Phe341Leu (NM_001408510.1); c.1018T>C, p.Phe340Leu (NM_001408511.1); c.898T>C, p.Phe300Leu (NM_001408512.1); c.871T>C, p.Phe291Leu (NM_001408513.1); c.4570T>C, p.Phe1524Leu (NM_007297.4, NM_001407692.1, NM_001407694.1 and 13 more transcripts); c.1399T>C, p.Phe467Leu (NM_007298.4, NM_007299.4, NM_007304.2 and 13 more transcripts); and 71 more; short protein forms F1402L, F1417L, F1481L, F1482L, F1523L, F1527L, F1552L, F1566L.
Identifiers: ClinVar variation 2734229 (VCV002734229.3), dbSNP rs2052423396, ClinGen allele CA10592088.